The following is an entry in ClinVar:

ClinVar aggregate classification (germline): Conflicting classifications of pathogenicity. Review status: criteria provided, conflicting classifications (1 of 4 stars). 2 submissions from 2 submitters: Likely pathogenic (1); Uncertain significance (1). Last evaluated 2025-09-03.

Conditions:
Hereditary cancer-predisposing syndrome. Also called: Neoplastic Syndromes, Hereditary; Tumor predisposition; Hereditary Cancer Syndrome; Hereditary neoplastic syndrome. Identifiers: Orphanet 140162, MedGen C0027672, MeSH D009386, MONDO:0015356.
Breast-ovarian cancer, familial, susceptibility to, 3. Also called: RAD51C-Related Breast/Ovarian Cancer. Identifiers: Orphanet 145, MedGen C3150659, MONDO:0013253, OMIM 613399.

Submissions (2):

Ambry Genetics
Classification: Likely pathogenic for Hereditary cancer-predisposing syndrome. Last evaluated: 2025-09-03. Review status: criteria provided, single submitter. Criteria: Ambry Variant Classification Scheme 2023. Collection method: clinical testing. Allele origin: germline.
Comment: The p.G113V variant (also known as c.338G>T), located in coding exon 2 of the RAD51C gene, results from a G to T substitution at nucleotide position 338. The glycine at codon 113 is replaced by valine, an amino acid with dissimilar properties. This amino acid position is highly conserved in available vertebrate species. In addition, this alteration is predicted to be deleterious by in silico analysis. In a homology-directed DNA repair (HDR) assay, this alteration showed a functionally abnormal read-out (Olvera-Le&oacute;n R et al Cell 2024 Oct;187(20):5719-5734.e19). This variant is considered to be rare based on population cohorts in the Genome Aggregation Database (gnomAD). Based on the majority of available evidence to date, this variant is likely to be pathogenic.

KCCC/NGS Laboratory, Kuwait Cancer Control Center
Classification: Uncertain significance for Breast-ovarian cancer, familial, susceptibility to, 3. Last evaluated: 2023-07-07. Review status: criteria provided, single submitter. Criteria: ACMG Guidelines, 2015. Collection method: clinical testing. Allele origin: unknown. Affected: yes.
Comment: This sequence change replaces glycine with valine at codon 113 of the RAD51C protein. The glycine residue is highly conserved and there is a little physicochemical difference between glycine and valine. This variant is not present in population databases (gnomAD). This variant has not been reported in the literature in individuals with RAD51C-related disease. ClinVar does not contain an entry for this variant. In silico predictions showed 12 pathogenic predictions from BayesDel_addAF, DANN, DEOGEN2, EIGEN, FATHMM-MKL and 7 more vs 1 benign prediction from PrimateAI. For these reasons, this variant has been classified as a Variant of Uncertain Significance.

Literature cited by the submitters: PubMed 39299233 (cited by Ambry Genetics).

NM_058216.3(RAD51C):c.338G>T (p.Gly113Val)

Gene: RAD51C (RAD51 paralog C; plus strand). Cytogenetic location: 17q22.
Variant type: single nucleotide variant.
Coding change: c.338G>T on transcript NM_058216.3 (MANE Select); coding-DNA position 338, G replaced by T.
Protein change: p.Gly113Val; replaces glycine 113 with valine.
Molecular consequence: missense variant. On other transcripts: non-coding transcript variant (2).
Genome position (GRCh38, 1-based): chr17:58,695,123, G>T. VCF-style: chr17-58695123-G-T. GRCh37 (hg19) VCF-style: chr17-56772484-G-T.
Other names: c.338G>T, p.Gly113Val (NM_002876.4, NM_058217.1); c.338G>T (NM_058216.2); short protein forms G113V.
Identifiers: ClinVar variation 1730889 (VCV001730889.4), dbSNP rs2047954937, ClinGen allele CA400341415.